The following is an entry in ClinVar:

NM_002878.4(RAD51D):c.142A>C (p.Lys48Gln)

Genes: RAD51D (RAD51 paralog D; minus strand), RAD51L3-RFFL (RAD51L3-RFFL readthrough; minus strand). Cytogenetic location: 17q12.
Variant type: single nucleotide variant.
Coding change: c.142A>C on transcript NM_002878.4 (MANE Select); coding-DNA position 142, A replaced by C.
Protein change: p.Lys48Gln; replaces lysine 48 with glutamine.
Molecular consequence: missense variant. On other transcripts: non-coding transcript variant (2).
Genome position (GRCh38, 1-based): chr17:35,119,113, T>G on the plus strand (A>C on the coding strand, the complement: RAD51D is on the minus strand). VCF-style: chr17-35119113-T-G. GRCh37 (hg19) VCF-style: chr17-33446132-T-G.
Other names: c.142A>C, p.Lys48Gln (NM_001142571.2, NM_133629.3); short protein forms K48Q.
Identifiers: ClinVar variation 927893 (VCV000927893.13), dbSNP rs2091787642, ClinGen allele CA399091742.
Genomic context (GRCh38, chr17:35,119,113, plus strand): 5'-TTGGGATGGACTTTTTAAAAAGACACTCAGGTTTGGAATGTGGAGATCAGGAGCTCACCT[T>G]GTAAGACAAGCCACATTTCTGAGCTACCTCTTCCAGGTCTGCAGAAACCAGGTCCACCAC-3'
Protein context (NP_002869.3, residues 38-58): EVAQKCGLSY[Lys48Gln]ALVALRRVLL

ClinVar aggregate classification (germline): Uncertain significance. Review status: criteria provided, multiple submitters, no conflicts (2 of 4 stars). 5 submissions from 5 submitters: Uncertain significance (5). Last evaluated 2025-05-15.

Conditions:
Hereditary cancer-predisposing syndrome. Also called: Neoplastic Syndromes, Hereditary; Hereditary Cancer Syndrome; Tumor predisposition; Hereditary neoplastic syndrome. Identifiers: Orphanet 140162, MedGen C0027672, MeSH D009386, MONDO:0015356.
Breast-ovarian cancer, familial, susceptibility to, 4. Identifiers: Orphanet 145, MedGen C3280345, MONDO:0013669, OMIM 614291.

gnomAD v4.1: 1 of 1,613,282 alleles (0.000062%); highest among the groups gnomAD compares: Non-Finnish European, 0.000085%; no homozygotes.

Submissions (5):

Labcorp Genetics (formerly Invitae), Labcorp
Classification: Uncertain significance for Breast-ovarian cancer, familial, susceptibility to, 4. Last evaluated: 2025-05-15. Review status: criteria provided, single submitter. Criteria: Invitae Variant Classification Sherloc (09022015). Collection method: clinical testing. Allele origin: germline.
Comment: This sequence change replaces lysine, which is basic and polar, with glutamine, which is neutral and polar, at codon 48 of the RAD51D protein (p.Lys48Gln). This variant is not present in population databases (gnomAD no frequency). This variant has not been reported in the literature in individuals affected with RAD51D-related conditions. ClinVar contains an entry for this variant (Variation ID: 927893). An algorithm developed to predict the effect of missense changes on protein structure and function (PolyPhen-2) suggests that this variant is likely to be disruptive. In summary, the available evidence is currently insufficient to determine the role of this variant in disease. Therefore, it has been classified as a Variant of Uncertain Significance.

Center for Genomic Medicine, Rigshospitalet, Copenhagen University Hospital
Classification: Uncertain significance. Last evaluated: 2025-03-04. Review status: criteria provided, single submitter. Criteria: ACMG Guidelines, 2015. Collection method: clinical testing. Allele origin: germline.

Ambry Genetics
Classification: Uncertain significance for Hereditary cancer-predisposing syndrome. Last evaluated: 2023-02-20. Review status: criteria provided, single submitter. Criteria: Ambry Variant Classification Scheme 2023. Collection method: clinical testing. Allele origin: germline.
Comment: The p.K48Q variant (also known as c.142A>C), located in coding exon 2 of the RAD51D gene, results from an A to C substitution at nucleotide position 142. The lysine at codon 48 is replaced by glutamine, an amino acid with similar properties. This amino acid position is conserved. In addition, the in silico prediction for this alteration is inconclusive. Since supporting evidence is limited at this time, the clinical significance of this alteration remains unclear.

GeneDx
Classification: Uncertain significance. Last evaluated: 2019-10-29. Review status: criteria provided, single submitter. Criteria: GeneDx Variant Classification Process June 2021. Collection method: clinical testing. Allele origin: germline. Affected: yes.
Comment: Not observed in large population cohorts (Lek 2016); In silico analysis, which includes protein predictors and evolutionary conservation, supports that this variant does not alter protein structure/function; Has not been previously published as pathogenic or benign to our knowledge

Color Diagnostics, LLC DBA Color Health
Classification: Uncertain significance for Hereditary cancer-predisposing syndrome. Last evaluated: 2019-07-24. Review status: criteria provided, single submitter. Criteria: ACMG Guidelines, 2015. Collection method: clinical testing. Allele origin: germline.
Comment: This missense variant replaces lysine with glutamine at codon 48 of the RAD51D protein. Computational prediction tools and conservation analyses are inconclusive regarding the impact of this variant on the protein function. Computational splicing tools suggest that this variant may not impact RNA splicing. To our knowledge, functional assays have not been performed for this variant nor has this variant been reported in individuals affected with hereditary cancer in the literature. This variant has not been identified in the general population by the Genome Aggregation Database (gnomAD). Available evidence is insufficient to determine the role of this variant in disease conclusively. Therefore, this variant is classified as a Variant of Uncertain Significance.